The following is an entry in ClinVar:

ClinVar aggregate classification (germline): Pathogenic (1 of 4 stars; one submission).

Submission:

Labcorp Genetics (formerly Invitae), Labcorp
Classification: Pathogenic. Last evaluated: 2022-11-15. Review status: criteria provided, single submitter. Criteria: Invitae Variant Classification Sherloc (09022015). Collection method: clinical testing. Allele origin: germline.
Comment: This sequence change creates a premature translational stop signal (p.Cys729*) in the MERTK gene. It is expected to result in an absent or disrupted protein product. Loss-of-function variants in MERTK are known to be pathogenic (PMID: 24265693, 29659094). For these reasons, this variant has been classified as Pathogenic. ClinVar contains an entry for this variant (Variation ID: 1431964). This variant has not been reported in the literature in individuals affected with MERTK-related conditions. This variant is not present in population databases (gnomAD no frequency).

Literature cited by the submitters: PubMed 24265693; PubMed 29659094.

NM_006343.3(MERTK):c.2187C>A (p.Cys729Ter)

Gene: MERTK (MER proto-oncogene, tyrosine kinase; plus strand). Cytogenetic location: 2q13.
Variant type: single nucleotide variant.
Coding change: c.2187C>A on transcript NM_006343.3 (MANE Select); coding-DNA position 2187, C replaced by A.
Protein change: p.Cys729Ter; replaces cysteine 729 with a stop codon.
Molecular consequence: nonsense.
Genome position (GRCh38, 1-based): chr2:112,019,520, C>A. VCF-style: chr2-112019520-C-A. GRCh37 (hg19) VCF-style: chr2-112777097-C-A.
Other names: short protein forms C729*.
Identifiers: ClinVar variation 1431964 (VCV001431964.6), dbSNP rs2104421764, ClinGen allele CA348237007.
Genomic context (GRCh38, chr2:112,019,520, plus strand): 5'-GGGAATGGAGTATCTGAGCAACAGGAATTTTCTTCATCGAGATTTAGCTGCTCGAAACTG[C>A]ATGTAAGAGTCCTCGGCTATCCTGGAAGGGTTTGGACCTCATGGTGTTTGGTCTTTGCAG-3'